The following is an entry in ClinVar:

NM_000250.2(MPO):c.1281del (p.Thr428fs)

Genes: MPO (myeloperoxidase; minus strand), LOC106694316 (enhancer region in introns 7-9 of MPO; plus strand). Cytogenetic location: 17q22.
Variant type: Deletion.
Coding change: c.1281del on transcript NM_000250.2 (MANE Select); coding-DNA position 1281, one base deleted (C; older notation c.1281delC).
Protein change: p.Thr428fs; shifts the reading frame from threonine 428.
Molecular consequence: frameshift variant.
Genome position (GRCh38, 1-based): chr17:58,275,626, G deleted on the plus strand (C on the coding strand, the reverse complement: MPO is on the minus strand); the first of 2 consecutive G bases (chr17:58,275,626-58,275,627); deleting either gives the same sequence. VCF-style (leftmost placement, unchanged base first): chr17-58275625-TG-T. GRCh37 (hg19) VCF-style: chr17-56352986-TG-T.
Other names: c.1281del (LRG_84t1); short protein forms T428fs.
Identifiers: ClinVar variation 452644 (VCV000452644.4), dbSNP rs762933005, ClinGen allele CA8670708.
Genomic context (GRCh38, chr17:58,275,625, plus strand): 5'-TCCGGGCTTCCTGGTAGAGCCTCTCCCCATCCCACCTAGGGTTCAGGCTCTTGAGCTCTG[TG>T]GCCAGCCGGTTGTGCTCCCGAAGTAAGAGGGTGTGCATGGAGGTGAGCTCGGGCATCTCA-3'

ClinVar aggregate classification (germline): Likely pathogenic. Review status: criteria provided, multiple submitters, no conflicts (2 of 4 stars). 3 submissions from 3 submitters: Likely pathogenic (3). Last evaluated 2023-10-04.

Conditions:
MPO-related disorder. Also called: MPO-related condition.
Myeloperoxidase deficiency (MPOD). Also called: Myeloperoxidase deficiency syndrome; MPO DEFICIENCY. Identifiers: Orphanet 2587, MedGen C0398595, MONDO:0009694, OMIM 254600.

Submissions (3):

Blueprint Genetics
Classification: Likely pathogenic for MPO-related disorders. Last evaluated: 2023-10-04. Review status: criteria provided, single submitter. Criteria: ACMG Guidelines, 2015. Collection method: clinical testing. Allele origin: germline. Affected: yes. Observed: 2 variant alleles.

Department of Pathology and Laboratory Medicine, Sinai Health System
Classification: Likely pathogenic for Myeloperoxidase deficiency. Last evaluated: 2023-02-15. Review status: criteria provided, single submitter. Criteria: ACMG Guidelines, 2015. Collection method: research. Allele origin: germline.

GeneDx
Classification: Likely pathogenic. Last evaluated: 2017-10-03. Review status: criteria provided, single submitter. Criteria: GeneDx Variant Classification (06012015). Collection method: clinical testing. Allele origin: germline. Affected: yes.
Comment: The c.1281delC variant in the MPO gene has not been reported previously as a pathogenic variant nor as a benign variant, to our knowledge. The c.1281delC variant causes a frameshift starting with codon Threonine 428, changes this amino acid to a Glutamine residue, and creates a premature Stop codon at position 6 of the new reading frame, denoted p.Thr428GlnfsX6. This variant is predicted to cause loss of normal protein function either through protein truncation or nonsense-mediated mRNA decay. The c.1281delC variant is not observed at a significant frequency in large population cohorts (Lek et al., 2016). We interpret c.1281delC as a likely pathogenic variant.